The following is an entry in ClinVar:

NM_001440.4(EXTL3):c.512C>T (p.Pro171Leu)

Gene: EXTL3 (exostosin like glycosyltransferase 3; plus strand). Cytogenetic location: 8p21.1.
Variant type: single nucleotide variant.
Coding change: c.512C>T on transcript NM_001440.4 (MANE Select); coding-DNA position 512, C replaced by T.
Protein change: p.Pro171Leu; replaces proline 171 with leucine.
Molecular consequence: missense variant.
Genome position (GRCh38, 1-based): chr8:28,716,571, C>T. VCF-style: chr8-28716571-C-T. GRCh37 (hg19) VCF-style: chr8-28574088-C-T.
Other names: short protein forms P171L.
Identifiers: ClinVar variation 1938338 (VCV001938338.3), dbSNP rs749286787, ClinGen allele CA4696013.

ClinVar aggregate classification (germline): Uncertain significance. Review status: criteria provided, multiple submitters, no conflicts (2 of 4 stars). 2 submissions from 2 submitters: Uncertain significance (2). Last evaluated 2022-05-26.

Allele frequency attached by ClinVar (database versions not stated): ExAC 0.00001.
gnomAD v4.1: 12 of 1,614,096 alleles (0.00074%); highest among the groups gnomAD compares: Admixed American, 0.005%; no homozygotes.

Submissions (2):

Blueprint Genetics
Classification: Uncertain significance. Last evaluated: 2022-05-26. Review status: criteria provided, single submitter. Criteria: ACMG Guidelines, 2015. Collection method: clinical testing. Allele origin: germline.

Labcorp Genetics (formerly Invitae), Labcorp
Classification: Uncertain significance. Last evaluated: 2022-03-15. Review status: criteria provided, single submitter. Criteria: Invitae Variant Classification Sherloc (09022015). Collection method: clinical testing. Allele origin: germline.
Comment: This sequence change replaces proline, which is neutral and non-polar, with leucine, which is neutral and non-polar, at codon 171 of the EXTL3 protein (p.Pro171Leu). This variant is present in population databases (rs749286787, gnomAD 0.003%). This variant has not been reported in the literature in individuals affected with EXTL3-related conditions. Algorithms developed to predict the effect of missense changes on protein structure and function (SIFT, PolyPhen-2, Align-GVGD) all suggest that this variant is likely to be tolerated. In summary, the available evidence is currently insufficient to determine the role of this variant in disease. Therefore, it has been classified as a Variant of Uncertain Significance.